The following is an entry in ClinVar:

NM_001267550.2(TTN):c.106228C>T (p.Pro35410Ser)

Genes: TTN-AS1 (TTN antisense RNA 1; plus strand), TTN (titin; minus strand). Cytogenetic location: 2q31.2.
Variant type: single nucleotide variant.
Coding change: c.106228C>T on transcript NM_001267550.2 (MANE Select); coding-DNA position 106228, C replaced by T.
Protein change: p.Pro35410Ser; replaces proline 35410 with serine.
Molecular consequence: missense variant.
Genome position (GRCh38, 1-based): chr2:178,530,387, G>A on the plus strand (C>T on the coding strand, the complement: TTN is on the minus strand). VCF-style: chr2-178530387-G-A. GRCh37 (hg19) VCF-style: chr2-179395114-G-A.
Other names: c.101305C>T, p.Pro33769Ser (NM_001256850.1); c.79033C>T, p.Pro26345Ser (NM_003319.4); c.98524C>T, p.Pro32842Ser (NM_133378.4); c.79408C>T, p.Pro26470Ser (NM_133432.3); c.79609C>T, p.Pro26537Ser (NM_133437.4); short protein forms P26345S, P26470S, P26537S, P32842S, P33769S, P35410S.
Identifiers: ClinVar variation 3757923 (VCV003757923.2).

ClinVar aggregate classification (germline): Uncertain significance (1 of 4 stars; one submission).

Conditions:
Dilated cardiomyopathy 1G (CMD1G). Identifiers: Orphanet 154, MedGen C1858763, MONDO:0011400, OMIM 604145.
Autosomal recessive limb-girdle muscular dystrophy type 2J (LGMDR10). Also called: Limb-girdle muscular dystrophy, type 2J; MUSCULAR DYSTROPHY, LIMB-GIRDLE, AUTOSOMAL RECESSIVE 10. Identifiers: Orphanet 140922, MedGen C1837342, MONDO:0012127, OMIM 608807.

gnomAD v4.1: 2 of 1,613,900 alleles (0.00012%); highest among the groups gnomAD compares: African/African-American, 0.0013%; no homozygotes.

Submission:

Labcorp Genetics (formerly Invitae), Labcorp
Classification: Uncertain significance for Dilated cardiomyopathy 1G; Autosomal recessive limb-girdle muscular dystrophy type 2J. Last evaluated: 2024-09-01. Review status: criteria provided, single submitter. Criteria: Invitae Variant Classification Sherloc (09022015). Collection method: clinical testing. Allele origin: germline.
Comment: This sequence change replaces proline, which is neutral and non-polar, with serine, which is neutral and polar, at codon 35410 of the TTN protein (p.Pro35410Ser). This variant is not present in population databases (gnomAD no frequency). This variant has not been reported in the literature in individuals affected with TTN-related conditions. Experimental studies and prediction algorithms are not available or were not evaluated, and the functional significance of this variant is currently unknown. This variant is located in the M band of TTN (PMID: 25589632). Non-truncating variants in this region may be relevant for neuromuscular disorders, but have not been definitively shown to cause cardiomyopathy (PMID: 23975875). In summary, the available evidence is currently insufficient to determine the role of this variant in disease. Therefore, it has been classified as a Variant of Uncertain Significance.

Literature cited by the submitters: PubMed 25589632; PubMed 23975875.